The following is an entry in ClinVar:

NM_000352.6(ABCC8):c.3087C>A (p.Ile1029=)

Gene: ABCC8 (ATP binding cassette subfamily C member 8; minus strand). Cytogenetic location: 11p15.1.
Variant type: single nucleotide variant.
Coding change: c.3087C>A on transcript NM_000352.6 (MANE Select); coding-DNA position 3087, C replaced by A.
Protein change: p.Ile1029=; no amino-acid change (isoleucine 1029 retained).
Molecular consequence: synonymous variant. On other transcripts: non-coding transcript variant (1).
Genome position (GRCh38, 1-based): chr11:17,406,963, G>T on the plus strand (C>A on the coding strand, the complement: ABCC8 is on the minus strand). VCF-style: chr11-17406963-G-T. GRCh37 (hg19) VCF-style: chr11-17428510-G-T.
Other names: c.3090C>A, p.Ile1030= (NM_001287174.3); c.3153C>A, p.Ile1051= (NM_001351295.2); c.3087C>A, p.Ile1029= (NM_001351296.2); c.3084C>A, p.Ile1028= (NM_001351297.2).
Identifiers: ClinVar variation 1687725 (VCV001687725.5), dbSNP rs376413488, ClinGen allele CA5902926.
Genomic context (GRCh38, chr11:17,406,963, plus strand): 5'-GTTCCTGGCTGCAGGGGTCAGGGTCAGGGCGCTGTCGGTCCACTTGGCCAGCCAGTAGTC[G>T]ATGGCCACCAGGACCATGTGCTTGAGCAGCTGTGAGAAGACCAGCAACGACAGGAGCAGG-3'
Protein context (NP_000343.2, residues 1019-1039): QLLKHMVLVA[Ile1029=]DYWLAKWTDS

ClinVar aggregate classification (germline): Conflicting classifications of pathogenicity. Review status: criteria provided, conflicting classifications (1 of 4 stars). 3 submissions from 2 submitters: Uncertain significance (2); Likely benign (1). Last evaluated 2024-01-17.

Conditions:
Maturity-onset diabetes of the young (MODY). Also called: Maturity onset diabetes mellitus in young. Identifiers: Orphanet 552, MedGen C0342276, MONDO:0018911, HP:0004904.
Transitory neonatal diabetes mellitus. Also called: Transient neonatal diabetes mellitus. Identifiers: MedGen C0342273, MONDO:0020525, HP:0008255.

Allele frequency attached by ClinVar (database versions not stated): ExAC 0.00002; gnomAD 0.00003 and 0.00004; TOPMed 0.00003; ESP Exome Variant Server 0.00008.
gnomAD v4.1: 34 of 1,614,040 alleles (0.0021%); highest among the groups gnomAD compares: Admixed American, 0.005%; no homozygotes.

Submissions (3):

Labcorp Genetics (formerly Invitae), Labcorp
Classification: Likely benign. Last evaluated: 2024-01-17. Review status: criteria provided, single submitter. Criteria: Invitae Variant Classification Sherloc (09022015). Collection method: clinical testing. Allele origin: germline.

Clinical Genomics, Uppaluri K&H Personalized Medicine Clinic
Classification: Uncertain significance for Maturity-onset diabetes of the young. Review status: criteria provided, single submitter. Criteria: K & H Uppaluri Personalized Medicine Clinic Variant Classification & Assertion Criteria_Updated V.1. Collection method: research. Allele origin: unknown. Inheritance: Autosomal dominant inheritance.
Comment: Mutations in ABCC8 gene are associated with both neonatal diabetes mellitus as well as MODY. Patients with this mutation may have a better response to sulfonylureas. However, no sufficient evidence is found to ascertain the role of this particular variant ( rs376413488) in MODY yet.

Clinical Genomics, Uppaluri K&H Personalized Medicine Clinic
Classification: Uncertain significance for Transitory neonatal diabetes mellitus. Review status: criteria provided, single submitter. Criteria: K & H Uppaluri Personalized Medicine Clinic Variant Classification & Assertion Criteria_Updated V.1. Collection method: research. Allele origin: unknown. Inheritance: Somatic mutation.
Comment: Mutations in ABCC8 gene are associated with both neonatal diabetes mellitus as well as MODY. Patients with this mutation may have a better response to sulfonylureas. However, no sufficient evidence is found to ascertain the role of this particular variant ( rs376413488) in neonatal diabetes yet.

Literature cited by the submitters: PubMed 16885549 (cited by Clinical Genomics, Uppaluri K&H Personalized Medicine Clinic); PubMed 21989597 (cited by Clinical Genomics, Uppaluri K&H Personalized Medicine Clinic); PubMed 27538677 (cited by Clinical Genomics, Uppaluri K&H Personalized Medicine Clinic); PubMed 18981553 (cited by Clinical Genomics, Uppaluri K&H Personalized Medicine Clinic); PubMed 32027066 (cited by Clinical Genomics, Uppaluri K&H Personalized Medicine Clinic); PubMed 16613899 (cited by Clinical Genomics, Uppaluri K&H Personalized Medicine Clinic); PubMed 18025408 (cited by Clinical Genomics, Uppaluri K&H Personalized Medicine Clinic); PubMed 32792356 (cited by Clinical Genomics, Uppaluri K&H Personalized Medicine Clinic).